The following is an entry in ClinVar:

NM_000540.3(RYR1):c.6639C>T (p.Asn2213=)

Gene: RYR1 (ryanodine receptor 1; plus strand). Cytogenetic location: 19q13.2.
Variant type: single nucleotide variant.
Coding change: c.6639C>T on transcript NM_000540.3 (MANE Select); coding-DNA position 6639, C replaced by T.
Protein change: p.Asn2213=; no amino-acid change (asparagine 2213 retained).
Molecular consequence: synonymous variant.
Genome position (GRCh38, 1-based): chr19:38,496,305, C>T. VCF-style: chr19-38496305-C-T. GRCh37 (hg19) VCF-style: chr19-38986945-C-T.
Other names: c.6639C>T, p.Asn2213= (NM_001042723.2).
Identifiers: ClinVar variation 256538 (VCV000256538.46), dbSNP rs374630822, ClinGen allele CA068499.

ClinVar aggregate classification (germline): Conflicting classifications of pathogenicity. Review status: criteria provided, conflicting classifications (1 of 4 stars). 9 submissions from 8 submitters: Uncertain significance (2); Likely benign (7). Last evaluated 2026-04-01.

Conditions:
RYR1-related disorder. Also called: RYR1-related disorders; RYR1-related condition. Identifiers: MedGen CN239331.
Congenital multicore myopathy with external ophthalmoplegia (CMYO1B). Also called: MULTIMINICORE DISEASE WITH EXTERNAL OPHTHALMOPLEGIA; MULTICORE MYOPATHY; Minicore myopathy with external ophthalmoplegia; Congenital myopathy 1B, autosomal recessive; Minicore myopathy. Identifiers: Orphanet 598, Orphanet 98905, MedGen C1850674, MONDO:0009712, OMIM 255320, HP:0003789.
Malignant hyperthermia, susceptibility to, 1 (MHS1). Also called: Anesthesia related hyperthermia; Malignant hyperpyrexia; Fulminating hyperpyrexia; Pharmacogenic myopathy; RYR1-Related Malignant Hyperthermia Susceptibility; Malignant hyperthermia suceptibility 1. Identifiers: Orphanet 423, MedGen C2930980, MONDO:0007783, OMIM 145600.

Allele frequency attached by ClinVar (database versions not stated): ESP Exome Variant Server 0.00008; TOPMed 0.00011; gnomAD exomes 0.00016 and 0.00022; gnomAD 0.00019 and 0.00022; ExAC 0.00020.
gnomAD v4.1: 270 of 1,613,914 alleles (0.017%); highest among the groups gnomAD compares: Admixed American, 0.022%; no homozygotes.

Submissions (9):

CeGaT Center for Human Genetics Tuebingen
Classification: Likely benign. Last evaluated: 2026-04-01. Review status: criteria provided, single submitter. Criteria: CeGaT Center For Human Genetics Tuebingen Variant Classification Criteria Version 2. Collection method: clinical testing. Allele origin: germline. Affected: yes. Observed: 4 variant alleles.
Comment: RYR1: BP4, BP7

Labcorp Genetics (formerly Invitae), Labcorp
Classification: Likely benign for RYR1-related disorder. Last evaluated: 2026-02-01. Review status: criteria provided, single submitter. Criteria: Invitae Variant Classification Sherloc (09022015). Collection method: clinical testing. Allele origin: germline.

Blueprint Genetics
Classification: Likely benign. Last evaluated: 2024-08-09. Review status: criteria provided, single submitter. Criteria: ACMG Guidelines, 2015. Collection method: clinical testing. Allele origin: germline.

All of Us Research Program, National Institutes of Health
Classification: Likely benign for Malignant hyperthermia, susceptibility to, 1. Last evaluated: 2024-02-05. Review status: criteria provided, single submitter. Criteria: ACMG Guidelines, 2015. Collection method: clinical testing. Allele origin: germline. Inheritance: Autosomal dominant inheritance. Observed: 44 variant alleles, 44 heterozygotes.
Comment: This study involves interpretation of variants in research participants for the purpose of population health screening. Participant phenotype was not available at the time of variant classification. Additional details can be found in publication PMID: 35346344, PMCID: PMC8962531

Color Diagnostics, LLC DBA Color Health
Classification: Likely benign for Malignant hyperthermia, susceptibility to, 1. Last evaluated: 2022-10-11. Review status: criteria provided, single submitter. Criteria: ACMG Guidelines, 2015. Collection method: clinical testing. Allele origin: germline.

GeneDx
Classification: Likely benign. Last evaluated: 2018-01-19. Review status: criteria provided, single submitter. Criteria: GeneDx Variant Classification (06012015). Collection method: clinical testing. Allele origin: germline. Affected: yes.
Comment: This variant is considered likely benign or benign based on one or more of the following criteria: it is a conservative change, it occurs at a poorly conserved position in the protein, it is predicted to be benign by multiple in silico algorithms, and/or has population frequency not consistent with disease.

Illumina Laboratory Services, Illumina
Classification: Uncertain significance for Congenital multicore myopathy with external ophthalmoplegia. Last evaluated: 2018-01-13. Review status: criteria provided, single submitter. Criteria: ICSL Variant Classification Criteria 13 December 2019. Collection method: clinical testing. Allele origin: germline.

Illumina Laboratory Services, Illumina
Classification: Uncertain significance for Malignant hyperthermia, susceptibility to, 1. Last evaluated: 2018-01-13. Review status: criteria provided, single submitter. Criteria: ICSL Variant Classification Criteria 13 December 2019. Collection method: clinical testing. Allele origin: germline.

PreventionGenetics, part of Exact Sciences
Classification: Likely benign. Review status: criteria provided, single submitter. Criteria: ACMG Guidelines, 2015. Collection method: clinical testing. Allele origin: germline.